The following is an entry in ClinVar:

NM_001040108.2(MLH3):c.828TAT[1] (p.Ile278del)

Gene: MLH3 (mutL homolog 3; minus strand). Cytogenetic location: 14q24.3.
Variant type: Microsatellite.
Coding change: c.828TAT[1] on transcript NM_001040108.2 (MANE Select); one copy of the 3-base unit TAT starting at c.828; the reference has two copies in a row; one copy, 3 bases deleted.
Protein change: p.Ile278del; deletes isoleucine 278.
Molecular consequence: inframe deletion.
Genome position (GRCh38, 1-based): chr14:75,048,823-75,048,825, ATA deleted on the plus strand (TAT on the coding strand, the reverse complement: MLH3 is on the minus strand); deleting any 3 consecutive bases within chr14:75,048,823-75,048,828 gives the same sequence; the position shown is the placement nearest the transcript's 3' end. VCF-style (leftmost placement, unchanged base first): chr14-75048822-TATA-T. GRCh37 (hg19) VCF-style: chr14-75515525-TATA-T.
Other names: c.831_833delTAT (NM_001040108.1); c.828TAT[1], p.Ile278del (NM_014381.3); short protein forms I278del.
Identifiers: ClinVar variation 1059866 (VCV001059866.10), dbSNP rs2139598111, ClinGen allele CA2580613725.

ClinVar aggregate classification (germline): Uncertain significance. Review status: criteria provided, multiple submitters, no conflicts (2 of 4 stars). 2 submissions from 2 submitters: Uncertain significance (2). Last evaluated 2025-03-20.

Conditions:
Colorectal cancer, hereditary nonpolyposis, type 7. Identifiers: Orphanet 144, MedGen C1858380, MONDO:0013725, OMIM 614385.

Submissions (2):

Ambry Genetics
Classification: Uncertain significance. Last evaluated: 2025-03-20. Review status: criteria provided, single submitter. Criteria: Ambry Variant Classification Scheme 2023. Collection method: clinical testing. Allele origin: germline.
Comment: The c.831_833delTAT variant (also known as p.I278del) is located in coding exon 1 of the MLH3 gene. This variant results from an in-frame TAT deletion at nucleotide positions 831 to 833. This results in the in-frame deletion of an isoleucine at codon 278. This amino acid position is well conserved in available vertebrate species. The evidence for this gene-disease relationship is limited; therefore, the clinical significance of this alteration is unclear.

Labcorp Genetics (formerly Invitae), Labcorp
Classification: Uncertain significance for Colorectal cancer, hereditary nonpolyposis, type 7. Last evaluated: 2020-10-14. Review status: criteria provided, single submitter. Criteria: Invitae Variant Classification Sherloc (09022015). Collection method: clinical testing. Allele origin: germline.
Comment: In summary, the available evidence is currently insufficient to determine the role of this variant in disease. Therefore, it has been classified as a Variant of Uncertain Significance. Experimental studies and prediction algorithms are not available or were not evaluated, and the functional significance of this variant is currently unknown. This variant has not been reported in the literature in individuals with MLH3-related conditions. This variant is not present in population databases (ExAC no frequency). This variant, c.831_833del, results in the deletion of 1 amino acid(s) of the MLH3 protein (p.Ile278del), but otherwise preserves the integrity of the reading frame.